The following is an entry in ClinVar:

NM_182643.3(DLC1):c.2739G>A (p.Val913=)

Gene: DLC1 (DLC1 Rho GTPase activating protein; minus strand). Cytogenetic location: 8p22.
Variant type: single nucleotide variant.
Coding change: c.2739G>A on transcript NM_182643.3 (MANE Select); coding-DNA position 2739, G replaced by A.
Protein change: p.Val913=; no amino-acid change (valine 913 retained).
Molecular consequence: synonymous variant.
Genome position (GRCh38, 1-based): chr8:13,099,598, C>T on the plus strand (G>A on the coding strand, the complement: DLC1 is on the minus strand). VCF-style: chr8-13099598-C-T. GRCh37 (hg19) VCF-style: chr8-12957107-C-T.
Other names: c.1206G>A, p.Val402= (NM_001164271.2, NM_001348082.2, NM_001348083.1 and 6 more transcripts); c.1530G>A, p.Val510= (NM_001316668.2, NM_001413129.1); c.2739G>A, p.Val913= (NM_001348081.2, NM_001413124.1); c.1521G>A, p.Val507= (NM_001413130.1); c.1179G>A, p.Val393= (NM_001413131.1, NM_001413137.1); c.1665G>A, p.Val555= (NM_001413132.1); c.1428G>A, p.Val476= (NM_001413135.1, NM_001413136.1, NM_001413139.1 and 1 more transcripts); c.1563G>A, p.Val521= (NM_001413140.1).
Identifiers: ClinVar variation 3055183 (VCV003055183.3), dbSNP rs2537064210, ClinGen allele CA459884751.

ClinVar aggregate classification (germline): Likely benign. Review status: criteria provided, single submitter (1 of 4 stars). 2 submissions from 2 submitters: Likely benign (1). 1 of the submissions does not count toward it. Last evaluated 2025-08-06.

Conditions:
DLC1-related disorder. Also called: DLC1-related condition.

Allele frequency attached by ClinVar (database versions not stated): gnomAD exomes below 0.00001.
gnomAD v4.1: 2 of 1,614,210 alleles (0.00012%); highest among the groups gnomAD compares: East Asian, 0.0022%; no homozygotes.

Submissions (2):

Labcorp Genetics (formerly Invitae), Labcorp
Classification: Likely benign. Last evaluated: 2025-08-06. Review status: criteria provided, single submitter. Criteria: Invitae Variant Classification Sherloc (09022015). Collection method: clinical testing. Allele origin: germline.

PreventionGenetics, part of Exact Sciences
Classification: Likely benign for DLC1-related condition. Last evaluated: 2020-04-07. Review status: no assertion criteria provided. Collection method: clinical testing. Allele origin: germline. Not counted in ClinVar's aggregate classification.
Comment: This variant is classified as likely benign based on ACMG/AMP sequence variant interpretation guidelines (Richards et al. 2015 PMID: 25741868, with internal and published modifications).